The following is an entry in ClinVar:

NM_006031.6(PCNT):c.2822T>C (p.Leu941Pro)

Gene: PCNT (pericentrin; plus strand). Cytogenetic location: 21q22.3.
Variant type: single nucleotide variant.
Coding change: c.2822T>C on transcript NM_006031.6 (MANE Select); coding-DNA position 2822, T replaced by C.
Protein change: p.Leu941Pro; replaces leucine 941 with proline.
Molecular consequence: missense variant.
Genome position (GRCh38, 1-based): chr21:46,366,796, T>C. VCF-style: chr21-46366796-T-C. GRCh37 (hg19) VCF-style: chr21-47786711-T-C.
Other names: c.2468T>C, p.Leu823Pro (NM_001315529.2); short protein forms L823P, L941P.
Identifiers: ClinVar variation 3346059 (VCV003346059.1).

ClinVar aggregate classification (germline): Uncertain significance (0 of 4 stars; one submission).

Conditions:
PCNT-related disorder. Also called: PCNT-related condition.

gnomAD v4.1: 19 of 1,613,788 alleles (0.0012%); highest among the groups gnomAD compares: Non-Finnish European, 0.0016%; no homozygotes.

Submission:

PreventionGenetics, part of Exact Sciences
Classification: Uncertain significance for PCNT-related condition. Last evaluated: 2024-05-16. Review status: no assertion criteria provided. Collection method: clinical testing. Allele origin: germline.
Comment: The PCNT c.2822T>C variant is predicted to result in the amino acid substitution p.Leu941Pro. To our knowledge, this variant has not been reported in the literature or in a large population database, indicating this variant is rare. At this time, the clinical significance of this variant is uncertain due to the absence of conclusive functional and genetic evidence.